The following is an entry in ClinVar:

NM_018706.7(DHTKD1):c.624G>A (p.Met208Ile)

Gene: DHTKD1 (dehydrogenase E1 and transketolase domain containing 1; plus strand). Cytogenetic location: 10p14.
Variant type: single nucleotide variant.
Coding change: c.624G>A on transcript NM_018706.7 (MANE Select); coding-DNA position 624, G replaced by A.
Protein change: p.Met208Ile; replaces methionine 208 with isoleucine.
Molecular consequence: missense variant.
Genome position (GRCh38, 1-based): chr10:12,087,636, G>A. VCF-style: chr10-12087636-G-A. GRCh37 (hg19) VCF-style: chr10-12129635-G-A.
Other names: short protein forms M208I.
Identifiers: ClinVar variation 2743365 (VCV002743365.2), dbSNP rs1450826712, ClinGen allele CA376018147.

ClinVar aggregate classification (germline): Uncertain significance (1 of 4 stars; one submission).

Conditions:
2-aminoadipic 2-oxoadipic aciduria (AAKAD). Also called: ALPHA-AMINOADIPIC AND ALPHA-KETOADIPIC ACIDURIA; Aminoadipic aciduria. Identifiers: Orphanet 79154, MedGen C1859817, MONDO:0008774, OMIM 204750.

Allele frequency attached by ClinVar (database versions not stated): gnomAD exomes below 0.00001; TOPMed below 0.00001.
gnomAD v4.1: 1 of 1,614,094 alleles (0.000062%); highest among the groups gnomAD compares: Admixed American, 0.0017%; no homozygotes.

Submission:

Labcorp Genetics (formerly Invitae), Labcorp
Classification: Uncertain significance for 2-aminoadipic 2-oxoadipic aciduria. Last evaluated: 2023-01-06. Review status: criteria provided, single submitter. Criteria: Invitae Variant Classification Sherloc (09022015). Collection method: clinical testing. Allele origin: germline.
Comment: In summary, the available evidence is currently insufficient to determine the role of this variant in disease. Therefore, it has been classified as a Variant of Uncertain Significance. Advanced modeling of protein sequence and biophysical properties (such as structural, functional, and spatial information, amino acid conservation, physicochemical variation, residue mobility, and thermodynamic stability) performed at Invitae indicates that this missense variant is not expected to disrupt DHTKD1 protein function. This variant has not been reported in the literature in individuals affected with DHTKD1-related conditions. This variant is present in population databases (no rsID available, gnomAD 0.003%). This sequence change replaces methionine, which is neutral and non-polar, with isoleucine, which is neutral and non-polar, at codon 208 of the DHTKD1 protein (p.Met208Ile).